The following is an entry in ClinVar:

ClinVar aggregate classification (germline): Pathogenic (1 of 4 stars; one submission).

Conditions:
Cardiovascular phenotype. Identifiers: MedGen CN230736.

Allele frequency attached by ClinVar (database versions not stated): gnomAD exomes below 0.00001.

Submission:

Ambry Genetics
Classification: Pathogenic for Cardiovascular phenotype. Last evaluated: 2017-10-17. Review status: criteria provided, single submitter. Criteria: Ambry Variant Classification Scheme 2023. Collection method: clinical testing. Allele origin: germline.
Comment: The c.4353_4357delGAGAC pathogenic mutation, located in coding exon 23 of the DSP gene, results from a deletion of 5 nucleotides at nucleotide positions 4353 to 4357, causing a translational frameshift with a predicted alternate stop codon (p.R1452Sfs*13). Alterations in DSP that result in haploinsufficiency or protein truncation have been reported in patients with arrhythmogenic right ventricular cardiomyopathy (ARVC) and dilated cardiomyopathy (DCM) (Fressart V et al. Europace. 2010;12(6):861-8; Elliott P et al. Circ Cardiovasc Genet. 2010;3(4):314-22; Quarta G et al. Circulation. 2011;123(23):2701-9; Garcia-Pavia P et al. Heart. 2011;97(21):1744-52; Rasmussen TB et al. Clin Genet. 2013;84(1):20-30; Pugh TJ et al. Genet Med. 2014;16(8):601-8). This alteration is expected to result in loss of function by premature protein truncation or nonsense-mediated mRNA decay. As such, this alteration is interpreted as a disease-causing mutation.

Literature cited by the submitters: PubMed 20400443; PubMed 20716751; PubMed 21606390; PubMed 21859740; PubMed 23137101; PubMed 24503780.

NM_004415.4(DSP):c.4353_4357del (p.Arg1452fs)

Gene: DSP (desmoplakin; plus strand). Cytogenetic location: 6p24.3.
Variant type: Deletion.
Coding change: c.4353_4357del on transcript NM_004415.4 (MANE Select); coding-DNA positions 4353 to 4357, 5 bases deleted (GAGAC; older notation c.4353_4357delGAGAC).
Protein change: p.Arg1452fs; shifts the reading frame from arginine 1452.
Molecular consequence: frameshift variant. On other transcripts: intron variant (2).
Genome position (GRCh38, 1-based): chr6:7,580,543-7,580,547, GAGAC deleted. VCF-style (leftmost placement, unchanged base first): chr6-7580542-TGAGAC-T. GRCh37 (hg19) VCF-style: chr6-7580775-TGAGAC-T.
Other names: c.4353_4357del (LRG_423t1); c.4050+303_4050+307del (NM_001319034.2); c.3582+771_3582+775del (NM_001008844.3); short protein forms R1452fs.
Identifiers: ClinVar variation 264015 (VCV000264015.5), dbSNP rs886039009, ClinGen allele CA10587631.